The following is an entry in ClinVar:

ClinVar aggregate classification (germline): Likely benign. Review status: criteria provided, single submitter (1 of 4 stars). 2 submissions from 2 submitters: Likely benign (1). 1 of the submissions does not count toward it. Last evaluated 2024-12-23.

Conditions:
Combined oxidative phosphorylation deficiency. Identifiers: MedGen C4540031, MONDO:0000732.
Charcot-Marie-Tooth Neuropathy X. Identifiers: MedGen CN118851.
Deafness, X-linked 5 (DFNX5). Also called: AUDITORY NEUROPATHY, X-LINKED, 1, WITH PERIPHERAL SENSORY NEUROPATHY; DEAFNESS, X-LINKED 5, WITH PERIPHERAL NEUROPATHY. Identifiers: Orphanet 139583, MedGen C1845095, OMIM 300614.

Allele frequency attached by ClinVar (database versions not stated): gnomAD 0.00003 and 0.00002; gnomAD exomes 0.00004 and 0.00001; ExAC 0.00001; TOPMed 0.00001.
gnomAD v4.1: 18 of 1,208,397 alleles (0.0015%); highest among the groups gnomAD compares: Admixed American, 0.011%; no homozygotes.

Submissions (2):

Labcorp Genetics (formerly Invitae), Labcorp
Classification: Likely benign for Charcot-Marie-Tooth Neuropathy X; Combined oxidative phosphorylation deficiency. Last evaluated: 2024-12-23. Review status: criteria provided, single submitter. Criteria: Invitae Variant Classification Sherloc (09022015). Collection method: clinical testing. Allele origin: germline.

Deafness Gene Diagnosis, Xijing Hospital
Classification: Likely pathogenic for Deafness, X-linked 5. Review status: no assertion criteria provided. Collection method: clinical testing. Allele origin: unknown. Inheritance: Sporadic. Affected: yes. Observed: 1 variant allele, 1 homozygote. Not counted in ClinVar's aggregate classification.
Comment: missense mutation in conserved position, not detected in normal control (118 people), and Mutationtaster predicted as Disease Causing

NM_004208.4(AIFM1):c.1097A>G (p.Asn366Ser)

Genes: RAB33A (RAB33A, member RAS oncogene family; plus strand), AIFM1 (apoptosis inducing factor mitochondria associated 1; minus strand). Cytogenetic location: Xq26.1.
Variant type: single nucleotide variant.
Coding change: c.1097A>G on transcript NM_004208.4 (MANE Select); coding-DNA position 1097, A replaced by G.
Protein change: p.Asn366Ser; replaces asparagine 366 with serine.
Molecular consequence: missense variant. On other transcripts: 3 prime UTR variant (1), non-coding transcript variant (1).
Genome position (GRCh38, 1-based): chrX:130,136,710, T>C on the plus strand (A>G on the coding strand, the complement: AIFM1 is on the minus strand). VCF-style: chrX-130136710-T-C. GRCh37 (hg19) VCF-style: chrX-129270685-T-C.
Other names: c.80A>G, p.Asn27Ser (NM_001130846.4); c.*325A>G (NM_001130847.4); c.1085A>G, p.Asn362Ser (NM_145812.3); short protein forms N366S, N362S, N27S.
Identifiers: ClinVar variation 162478 (VCV000162478.7), dbSNP rs724160019, ClinGen allele CA175064.
Genomic context (GRCh38, chrX:130,136,710, plus strand): 5'-CCGTCTTTCAGCTTGATAAGTAACTTGCCACTGCTGACTCCAACGGATTGCACAATAGCA[T>C]TGGGCATCACCTTAACCCCCTCTGTAAAGGCAAACAAGACCTGAGAGTGAGCCTACAAGG-3'
Protein context (NP_004199.1, residues 356-376): VRREGVKVMP[Asn366Ser]AIVQSVGVSS